The following is an entry in ClinVar:

NM_001111125.3(IQSEC2):c.1813del (p.Asp605fs)

Gene: IQSEC2 (IQ motif and Sec7 domain ArfGEF 2; minus strand). Cytogenetic location: Xp11.22.
Variant type: Deletion.
Coding change: c.1813del on transcript NM_001111125.3 (MANE Select); coding-DNA position 1813, one base deleted (G; older notation c.1813delG).
Protein change: p.Asp605fs; shifts the reading frame from aspartic acid 605.
Molecular consequence: frameshift variant.
Genome position (GRCh38, 1-based): chrX:53,250,763, C deleted on the plus strand (G on the coding strand, the reverse complement: IQSEC2 is on the minus strand); the first of 2 consecutive C bases (chrX:53,250,763-53,250,764); deleting either gives the same sequence. VCF-style (leftmost placement, unchanged base first): chrX-53250762-TC-T. GRCh37 (hg19) VCF-style: chrX-53279944-TC-T.
Other names: c.1198del, p.Asp400fs (NM_015075.2); short protein forms D400fs, D605fs.
Identifiers: ClinVar variation 966642 (VCV000966642.8), dbSNP rs2074374579, ClinGen allele CA1139667569.

ClinVar aggregate classification (germline): Pathogenic (1 of 4 stars; one submission).

Conditions:
Intellectual developmental disorder, X-linked 1. Also called: Atkin Flaitz Patil Smith syndrome; MENTAL RETARDATION, X-LINKED 18; MENTAL RETARDATION, X-LINKED 78; Intellectual disability, X-linked 1. Identifiers: Orphanet 777, MedGen C2931498, MONDO:0010656, OMIM 309530.

Submission:

Labcorp Genetics (formerly Invitae), Labcorp
Classification: Pathogenic for Intellectual developmental disorder, X-linked 1. Last evaluated: 2019-11-03. Review status: criteria provided, single submitter. Criteria: Invitae Variant Classification Sherloc (09022015). Collection method: clinical testing. Allele origin: germline.
Comment: This sequence change creates a premature translational stop signal (p.Asp605Thrfs*2) in the IQSEC2 gene. It is expected to result in an absent or disrupted protein product. This variant is not present in population databases (ExAC no frequency). This variant has not been reported in the literature in individuals with IQSEC2-related conditions. Loss-of-function variants in IQSEC2 are known to be pathogenic (PMID: 21686261, 26793055, 27665735). For these reasons, this variant has been classified as Pathogenic.

Literature cited by the submitters: PubMed 21686261; PubMed 26793055; PubMed 27665735.